The following is an entry in ClinVar:

ClinVar aggregate classification (germline): Benign/Likely benign. Review status: criteria provided, multiple submitters, no conflicts (2 of 4 stars). 3 submissions from 3 submitters: Benign (1); Likely benign (2). Last evaluated 2024-12-02.

Conditions:
Familial hypobetalipoproteinemia 1. Also called: APOB-Related Familial Hypobetalipoproteinemia; Hypobetalipoproteinemia, normotriglyceridemic; Acanthocytosis with hypobetalipoproteinemia. Identifiers: MedGen C4551990, MONDO:0014252, OMIM 615558.
Hypercholesterolemia, autosomal dominant, type B (FHCL2). Also called: Hyperlipoproteinemia Type IIb; Familial hypercholesterolemia 2; Familial Hypercholesterolemia Type B; APOLIPOPROTEIN B-100, FAMILIAL DEFECTIVE; APOLIPOPROTEIN B-100, FAMILIAL LIGAND-DEFECTIVE; HYPERCHOLESTEROLEMIA, FAMILIAL, DUE TO LIGAND-DEFECTIVE APOLIPOPROTEIN B. Identifiers: MedGen C1704417, MONDO:0007751, OMIM 144010.
Familial hypercholesterolemia. Also called: Familial hypercholesterolemias; Familial hypercholesterolaemia. Identifiers: MedGen C0020445, MONDO:0005439.
Cardiovascular phenotype. Identifiers: MedGen CN230736.

Allele frequency attached by ClinVar (database versions not stated): gnomAD exomes 0.00001; gnomAD 0.00005; TOPMed 0.00006.
gnomAD v4.1: 17 of 1,613,734 alleles (0.0011%); highest among the groups gnomAD compares: African/African-American, 0.013%; no homozygotes.

Submissions (3):

Labcorp Genetics (formerly Invitae), Labcorp
Classification: Benign for Familial hypobetalipoproteinemia 1; Hypercholesterolemia, autosomal dominant, type B. Last evaluated: 2024-12-02. Review status: criteria provided, single submitter. Criteria: Invitae Variant Classification Sherloc (09022015). Collection method: clinical testing. Allele origin: germline.

GENinCode PLC
Classification: Likely benign for Familial hypercholesterolemia. Last evaluated: 2024-11-20. Review status: criteria provided, single submitter. Criteria: ACMG Guidelines, 2015. Collection method: clinical testing. Allele origin: germline.
Comment: This is a synonymous (silent) variant that is not predicted by SpliceAI to impact splicing. In addition, it occurs at a nucleotide that is not conserved. Therefore this variant has been classified as Likely Benign (BP4, BP7).

Ambry Genetics
Classification: Likely benign for Cardiovascular phenotype. Last evaluated: 2019-08-02. Review status: criteria provided, single submitter. Criteria: Ambry Variant Classification Scheme 2023. Collection method: clinical testing. Allele origin: germline.

NM_000384.3(APOB):c.12015C>T (p.Ala4005=)

Gene: APOB (apolipoprotein B; minus strand). Cytogenetic location: 2p24.1.
Variant type: single nucleotide variant.
Coding change: c.12015C>T on transcript NM_000384.3 (MANE Select); coding-DNA position 12015, C replaced by T.
Protein change: p.Ala4005=; no amino-acid change (alanine 4005 retained).
Molecular consequence: synonymous variant.
Genome position (GRCh38, 1-based): chr2:21,004,341, G>A on the plus strand (C>T on the coding strand, the complement: APOB is on the minus strand). VCF-style: chr2-21004341-G-A. GRCh37 (hg19) VCF-style: chr2-21227213-G-A.
Identifiers: ClinVar variation 1747581 (VCV001747581.6), dbSNP rs995623758, ClinGen allele CA43490437.